The following is an entry in ClinVar:

NM_006269.2(RP1):c.416C>T (p.Pro139Leu)

Gene: RP1 (RP1 axonemal microtubule associated; plus strand). Cytogenetic location: 8q12.1.
Variant type: single nucleotide variant.
Coding change: c.416C>T on transcript NM_006269.2 (MANE Select); coding-DNA position 416, C replaced by T.
Protein change: p.Pro139Leu; replaces proline 139 with leucine.
Molecular consequence: missense variant.
Genome position (GRCh38, 1-based): chr8:54,621,382, C>T. VCF-style: chr8-54621382-C-T. GRCh37 (hg19) VCF-style: chr8-55533942-C-T.
Other names: c.416C>T, p.Pro139Leu (NM_001375654.1); short protein forms P139L.
Identifiers: ClinVar variation 3612399 (VCV003612399.2).

ClinVar aggregate classification (germline): Uncertain significance (1 of 4 stars; one submission).

gnomAD v4.1: 39 of 1,612,828 alleles (0.0024%); highest among the groups gnomAD compares: Non-Finnish European, 0.0029%; no homozygotes.

Submission:

Labcorp Genetics (formerly Invitae), Labcorp
Classification: Uncertain significance. Last evaluated: 2024-07-23. Review status: criteria provided, single submitter. Criteria: Invitae Variant Classification Sherloc (09022015). Collection method: clinical testing. Allele origin: germline.
Comment: This sequence change replaces proline, which is neutral and non-polar, with leucine, which is neutral and non-polar, at codon 139 of the RP1 protein (p.Pro139Leu). This variant is present in population databases (rs375035648, gnomAD 0.004%). This variant has not been reported in the literature in individuals affected with RP1-related conditions. An algorithm developed to predict the effect of missense changes on protein structure and function outputs the following: PolyPhen-2: "Benign". The leucine amino acid residue is found in multiple mammalian species, which suggests that this missense change does not adversely affect protein function. In summary, the available evidence is currently insufficient to determine the role of this variant in disease. Therefore, it has been classified as a Variant of Uncertain Significance.